The following is an entry in ClinVar:

ClinVar aggregate classification (germline): Uncertain significance (1 of 4 stars; one submission).

Submission:

GeneDx
Classification: Uncertain significance. Last evaluated: 2026-04-14. Review status: criteria provided, single submitter. Criteria: GeneDx Variant Classification Process June 2021. Collection method: clinical testing. Allele origin: germline.
Comment: Not observed at significant frequency in large population cohorts (gnomAD); In silico analysis suggests that this missense variant does not alter protein structure/function; Has not been previously published as pathogenic or benign to our knowledge

NM_015267.4(CUX2):c.4017T>A (p.Asp1339Glu)

Gene: CUX2 (cut like homeobox 2; plus strand). Cytogenetic location: 12q24.12.
Variant type: single nucleotide variant.
Coding change: c.4017T>A on transcript NM_015267.4 (MANE Select); coding-DNA position 4017, T replaced by A.
Protein change: p.Asp1339Glu; replaces aspartic acid 1339 with glutamic acid.
Molecular consequence: missense variant.
Genome position (GRCh38, 1-based): chr12:111,347,881, T>A. VCF-style: chr12-111347881-T-A. GRCh37 (hg19) VCF-style: chr12-111785685-T-A.
Other names: c.3831T>A, p.Asp1277Glu (NM_001370598.1); short protein forms D1277E, D1339E.
Identifiers: ClinVar variation 4685060 (VCV004685060.2).